The following is an entry in ClinVar:

ClinVar aggregate classification (germline): Pathogenic/Likely pathogenic. Review status: criteria provided, multiple submitters, no conflicts (2 of 4 stars). 3 submissions from 3 submitters: Pathogenic (1); Likely pathogenic (2). Last evaluated 2024-09-02.

Conditions:
Nemaline myopathy 2 (NEM2). Also called: Nemaline myopathy 2, autosomal recessive. Identifiers: MedGen C1850569, MONDO:0009725, OMIM 256030.
Arthrogryposis multiplex congenita 6. Identifiers: MedGen C5543431, MONDO:0030281, OMIM 619334.
NEB-related disorder. Also called: NEB-Related Disorders; NEB-related condition.

Allele frequency attached by ClinVar (database versions not stated): gnomAD exomes 0.00001.

Submissions (3):

Blueprint Genetics
Classification: Likely pathogenic for NEB-related disorders. Last evaluated: 2024-09-02. Review status: criteria provided, single submitter. Criteria: ACMG Guidelines, 2015. Collection method: clinical testing. Allele origin: germline. Affected: yes. Observed: 2 variant alleles.

Fulgent Genetics
Classification: Likely pathogenic for Nemaline myopathy 2; Arthrogryposis multiplex congenita 6. Last evaluated: 2024-03-10. Review status: criteria provided, single submitter. Criteria: ACMG Guidelines, 2015. Collection method: clinical testing. Allele origin: germline.

Labcorp Genetics (formerly Invitae), Labcorp
Classification: Pathogenic for Nemaline myopathy 2. Last evaluated: 2024-01-27. Review status: criteria provided, single submitter. Criteria: Invitae Variant Classification Sherloc (09022015). Collection method: clinical testing. Allele origin: germline.
Comment: This sequence change creates a premature translational stop signal (p.Glu8060Argfs*13) in the NEB gene. It is expected to result in an absent or disrupted protein product. Loss-of-function variants in NEB are known to be pathogenic (PMID: 25205138). This variant is not present in population databases (gnomAD no frequency). This variant has not been reported in the literature in individuals affected with NEB-related conditions. Algorithms developed to predict the effect of sequence changes on RNA splicing suggest that this variant may disrupt the consensus splice site. For these reasons, this variant has been classified as Pathogenic.

Literature cited by the submitters: PubMed 25205138 (cited by Labcorp Genetics (formerly Invitae), Labcorp).

NM_001164508.2(NEB):c.24072dup (p.Glu8025fs)

Genes: NEB (nebulin; minus strand), RIF1 (replication timing regulatory factor 1; plus strand). Cytogenetic location: 2q23.3.
Variant type: Duplication.
Coding change: c.24072dup on transcript NM_001164508.2 (MANE Select); coding-DNA position 24072, one base duplicated (A; older notation c.24072dupA).
Protein change: p.Glu8025fs; shifts the reading frame from glutamic acid 8025.
Molecular consequence: frameshift variant. On other transcripts: intron variant (1).
Genome position (GRCh38, 1-based): chr2:151,499,340, T duplicated on the plus strand (A on the coding strand, the reverse complement: NEB is on the minus strand). VCF-style (leftmost placement, unchanged base first): chr2-151499339-C-CT. GRCh37 (hg19) VCF-style: chr2-152355853-C-CT.
Other names: c.24072dup, p.Glu8025fs (NM_001164507.2); c.24177dup, p.Glu8060fs (NM_001271208.2); c.18826-2972dup (NM_004543.5); short protein forms E8060fs, E8025fs.
Identifiers: ClinVar variation 2794369 (VCV002794369.5), dbSNP rs2551889054, ClinGen allele CA2577119272.